The following is an entry in ClinVar:

ClinVar aggregate classification (germline): Uncertain significance. Review status: criteria provided, multiple submitters, no conflicts (2 of 4 stars). 2 submissions from 2 submitters: Uncertain significance (2). Last evaluated 2024-03-21.

Conditions:
Hypertrophic cardiomyopathy. Also called: HYPERTROPHIC MYOCARDIOPATHY. Identifiers: Orphanet 217569, MedGen C0007194, MeSH D002312, MONDO:0005045, HP:0001639.
Lethal congenital glycogen storage disease of heart. Also called: PHOSPHORYLASE KINASE DEFICIENCY OF HEART; GLYCOGEN STORAGE DISEASE OF HEART. Identifiers: Orphanet 439854, MedGen C1849813, MONDO:0009867, OMIM 261740.

Submissions (2):

Labcorp Genetics (formerly Invitae), Labcorp
Classification: Uncertain significance for Lethal congenital glycogen storage disease of heart. Last evaluated: 2024-03-21. Review status: criteria provided, single submitter. Criteria: Invitae Variant Classification Sherloc (09022015). Collection method: clinical testing. Allele origin: germline.
Comment: This sequence change creates a premature translational stop signal (p.Gln312Thrfs*18) in the PRKAG2 gene. It is expected to result in an absent or disrupted protein product. However, the current clinical and genetic evidence is not sufficient to establish whether loss-of-function variants in PRKAG2 cause disease. This variant is not present in population databases (gnomAD no frequency). This variant has not been reported in the literature in individuals affected with PRKAG2-related conditions. ClinVar contains an entry for this variant (Variation ID: 1478788). In summary, the available evidence is currently insufficient to determine the role of this variant in disease. Therefore, it has been classified as a Variant of Uncertain Significance.

All of Us Research Program, National Institutes of Health
Classification: Uncertain significance for Hypertrophic cardiomyopathy. Last evaluated: 2023-12-01. Review status: criteria provided, single submitter. Criteria: ACMG Guidelines, 2015. Collection method: clinical testing. Allele origin: germline. Inheritance: Autosomal dominant inheritance. Observed: 1 variant allele, 1 heterozygote.
Comment: This study involves interpretation of variants in research participants for the purpose of population health screening. Participant phenotype was not available at the time of variant classification. Additional details can be found in publication PMID: 35346344, PMCID: PMC8962531

NM_016203.4(PRKAG2):c.933dup (p.Gln312fs)

Gene: PRKAG2 (protein kinase AMP-activated non-catalytic subunit gamma 2; minus strand). Cytogenetic location: 7q36.1.
Variant type: Duplication.
Coding change: c.933dup on transcript NM_016203.4 (MANE Select); coding-DNA position 933, one base duplicated (A; older notation c.933dupA).
Protein change: p.Gln312fs; shifts the reading frame from glutamine 312.
Molecular consequence: frameshift variant.
Genome position (GRCh38, 1-based): chr7:151,576,384, T duplicated on the plus strand (A on the coding strand, the reverse complement: PRKAG2 is on the minus strand); the first of 6 consecutive T bases (chr7:151,576,384-151,576,389); duplicating any one gives the same sequence. VCF-style (leftmost placement, unchanged base first): chr7-151576383-G-GT. GRCh37 (hg19) VCF-style: chr7-151273469-G-GT.
Other names: c.801dup, p.Gln268fs (NM_001040633.2); c.558dup, p.Gln187fs (NM_001304527.2); c.210dup, p.Gln71fs (NM_001304531.2, NM_024429.2); c.561dup, p.Gln188fs (NM_001363698.2); short protein forms Q71fs, Q188fs, Q312fs, Q268fs, Q187fs.
Identifiers: ClinVar variation 1478788 (VCV001478788.7), dbSNP rs2151042865, ClinGen allele CA913188228.